The following is an entry in ClinVar:

ClinVar aggregate classification (germline): Conflicting classifications of pathogenicity. Review status: criteria provided, conflicting classifications (1 of 4 stars). 4 submissions from 4 submitters: Uncertain significance (2); Likely benign (2). Last evaluated 2026-01-08.

Conditions:
Wilms tumor 1 (WT1). Also called: Wilms tumor, somatic. Identifiers: Orphanet 654, MedGen CN033288, MONDO:0008679, OMIM 194070.
Pancreatic cancer, susceptibility to, 2. Identifiers: Orphanet 1333, MedGen C3150546, MONDO:0013235, OMIM 613347.
Glioma susceptibility 3 (GLM3). Also called: Glioblastoma 3. Identifiers: Orphanet 182067, Orphanet 360, MedGen C2751641, MONDO:0013093, OMIM 613029.
Familial cancer of breast. Also called: BREAST CANCER, FAMILIAL; hereditary breast carcinoma; Hereditary breast cancer. Identifiers: Orphanet 227535, MedGen C0346153, MONDO:0016419, OMIM 114480. Disease mechanism: loss of function.
Breast-ovarian cancer, familial, susceptibility to, 2 (BROVCA2). Also called: BRCA2 Hereditary Breast and Ovarian Cancer. Identifiers: Orphanet 145, MedGen C2675520, MONDO:0012933, OMIM 612555. Disease mechanism: loss of function.
Fanconi anemia complementation group D1. Also called: BRCA2-Related Fanconi Anemia. Identifiers: Orphanet 319462, MedGen C1838457, MONDO:0011584, OMIM 605724.
Prostate cancer. Also called: Malignant tumor of prostate. Identifiers: Orphanet 1331, MedGen C0376358, MONDO:0008315, HP:0012125.
Medulloblastoma (MDB). Also called: Medulloblastoma, somatic; MEDULLOBLASTOMA PREDISPOSITION SYNDROME. Identifiers: Orphanet 616, MedGen C0025149, MeSH D008527, MONDO:0007959, OMIM 155255, HP:0002885.
Hereditary breast ovarian cancer syndrome. Also called: Hereditary breast and ovarian cancer syndrome; Hereditary breast and ovarian cancer syndrome (HBOC); BRCA1- and BRCA2-Associated Hereditary Breast and Ovarian Cancer; Hereditary breast and ovarian cancer; Breast and ovarian cancer; Hereditary breast and/or ovarian cancer syndrome. Identifiers: Orphanet 145, MedGen C0677776, MeSH D061325, MONDO:0003582. Disease mechanism: loss of function.
Hereditary cancer-predisposing syndrome. Also called: Neoplastic Syndromes, Hereditary; Hereditary neoplastic syndrome; Tumor predisposition; Hereditary Cancer Syndrome. Identifiers: Orphanet 140162, MedGen C0027672, MeSH D009386, MONDO:0015356.

Submissions (4):

Labcorp Genetics (formerly Invitae), Labcorp
Classification: Uncertain significance for Hereditary breast ovarian cancer syndrome. Last evaluated: 2026-01-08. Review status: criteria provided, single submitter. Criteria: Invitae Variant Classification Sherloc (09022015). Collection method: clinical testing. Allele origin: germline.
Comment: This sequence change replaces aspartic acid, which is acidic and polar, with valine, which is neutral and non-polar, at codon 750 of the BRCA2 protein (p.Asp750Val). This variant is not present in population databases (gnomAD no frequency). This variant has not been reported in the literature in individuals affected with BRCA2-related conditions. ClinVar contains an entry for this variant (Variation ID: 663831). Invitae Evidence Modeling of protein sequence and biophysical properties (such as structural, functional, and spatial information, amino acid conservation, physicochemical variation, residue mobility, and thermodynamic stability) indicates that this missense variant is not expected to disrupt BRCA2 protein function with a negative predictive value of 95%. In summary, the available evidence is currently insufficient to determine the role of this variant in disease. Therefore, it has been classified as a Variant of Uncertain Significance.

Ambry Genetics
Classification: Likely benign for Hereditary cancer-predisposing syndrome. Last evaluated: 2024-02-22. Review status: criteria provided, single submitter. Criteria: Ambry Variant Classification Scheme 2023. Collection method: clinical testing. Allele origin: germline.

University of Washington Department of Laboratory Medicine, University of Washington
Classification: Likely benign for Hereditary cancer-predisposing syndrome. Last evaluated: 2023-03-23. Review status: criteria provided, single submitter. Criteria: Dines et al. (Genet Med. 2020). Collection method: curation. Allele origin: germline.
Comment: Missense variant in a coldspot region where missense variants are very unlikely to be pathogenic (PMID:31911673).

BRCA2 exon 11 coldspot. Reclassification based on statistical prior probability.

Fulgent Genetics
Classification: Uncertain significance for Familial cancer of breast; Medulloblastoma; Familial prostate cancer; Wilms tumor 1; Fanconi anemia complementation group D1; Breast-ovarian cancer, familial, susceptibility to, 2; Glioma susceptibility 3; Pancreatic cancer, susceptibility to, 2. Last evaluated: 2021-12-29. Review status: criteria provided, single submitter. Criteria: ACMG Guidelines, 2015. Collection method: clinical testing. Allele origin: unknown.

NM_000059.4(BRCA2):c.2249A>T (p.Asp750Val)

Gene: BRCA2 (BRCA2 DNA repair associated; plus strand). Cytogenetic location: 13q13.1.
Variant type: single nucleotide variant.
Coding change: c.2249A>T on transcript NM_000059.4 (MANE Select); coding-DNA position 2249, A replaced by T.
Protein change: p.Asp750Val; replaces aspartic acid 750 with valine.
Molecular consequence: missense variant.
Genome position (GRCh38, 1-based): chr13:32,336,604, A>T. VCF-style: chr13-32336604-A-T. GRCh37 (hg19) VCF-style: chr13-32910741-A-T.
Other names: short protein forms D750V.
Identifiers: ClinVar variation 663831 (VCV000663831.14), dbSNP rs1555282574, ClinGen allele CA387770890.